The following is an entry in ClinVar:

ClinVar aggregate classification (germline): Uncertain significance. Review status: criteria provided, multiple submitters, no conflicts (2 of 4 stars). 2 submissions from 2 submitters: Uncertain significance (2). Last evaluated 2024-07-29.

Conditions:
Rubinstein-Taybi syndrome due to CREBBP mutations (RSTS1). Also called: RUBINSTEIN-TAYBI SYNDROME 1, INCOMPLETE; Rubinstein-Taybi syndrome 1; CREBBP-Related Rubinstein-Taybi Syndrome; RUBINSTEIN SYNDROME; BROAD THUMB-HALLUX SYNDROME; BROAD THUMBS AND GREAT TOES, CHARACTERISTIC FACIES, AND IMPAIRED INTELLECTUAL DEVELOPMENT. Identifiers: Orphanet 353277, Orphanet 783, MedGen C4551859, MONDO:0008393, OMIM 180849.
Rubinstein-Taybi syndrome (RSTS). Identifiers: Orphanet 783, MedGen C0035934, MONDO:0019188.

Allele frequency attached by ClinVar (database versions not stated): ExAC 0.00002.
gnomAD v4.1: 17 of 1,591,458 alleles (0.0011%); highest among the groups gnomAD compares: Admixed American, 0.0034%; no homozygotes.

Submissions (2):

Labcorp Genetics (formerly Invitae), Labcorp
Classification: Uncertain significance for Rubinstein-Taybi syndrome. Last evaluated: 2024-07-29. Review status: criteria provided, single submitter. Criteria: Invitae Variant Classification Sherloc (09022015). Collection method: clinical testing. Allele origin: germline.
Comment: This sequence change replaces glycine, which is neutral and non-polar, with arginine, which is basic and polar, at codon 2010 of the CREBBP protein (p.Gly2010Arg). The frequency data for this variant in the population databases is considered unreliable, as metrics indicate poor data quality at this position in the gnomAD database. This variant has not been reported in the literature in individuals affected with CREBBP-related conditions. ClinVar contains an entry for this variant (Variation ID: 930275). Advanced modeling of protein sequence and biophysical properties (such as structural, functional, and spatial information, amino acid conservation, physicochemical variation, residue mobility, and thermodynamic stability) performed at Invitae indicates that this missense variant is not expected to disrupt CREBBP protein function with a negative predictive value of 95%. In summary, the available evidence is currently insufficient to determine the role of this variant in disease. Therefore, it has been classified as a Variant of Uncertain Significance.

Centre for Mendelian Genomics, University Medical Centre Ljubljana
Classification: Uncertain significance for Rubinstein-Taybi syndrome due to CREBBP mutations. Last evaluated: 2019-01-29. Review status: criteria provided, single submitter. Criteria: ACMG Guidelines, 2015. Collection method: clinical testing. Allele origin: unknown. Affected: yes.
Comment: This variant was classified as: Uncertain significance. The available evidence on this variant's pathogenicity is insufficient or conflicting. The following ACMG criteria were applied in classifying this variant: PP3.

NM_004380.3(CREBBP):c.6028G>A (p.Gly2010Arg)

Gene: CREBBP (CREB binding lysine acetyltransferase; minus strand). Cytogenetic location: 16p13.3.
Variant type: single nucleotide variant.
Coding change: c.6028G>A on transcript NM_004380.3 (MANE Select); coding-DNA position 6028, G replaced by A.
Protein change: p.Gly2010Arg; replaces glycine 2010 with arginine.
Molecular consequence: missense variant.
Genome position (GRCh38, 1-based): chr16:3,729,019, C>T on the plus strand (G>A on the coding strand, the complement: CREBBP is on the minus strand). VCF-style: chr16-3729019-C-T. GRCh37 (hg19) VCF-style: chr16-3779020-C-T.
Other names: c.5914G>A, p.Gly1972Arg (NM_001079846.1); short protein forms G1972R, G2010R.
Identifiers: ClinVar variation 930275 (VCV000930275.6), dbSNP rs751739281, ClinGen allele CA7869198.
Genomic context (GRCh38, chr16:3,729,019, plus strand): 5'-GCTGCTGGGGAAGGGGCGCCTGCTGCCACTGCCCGGGAGGCATGCTGGGCATGACGGGCC[C>T]GCTCACCTGGTTGGGTCGGGGCACATTCAGGCTCACGGGGGCCATCTGGCTCCCCGGGGT-3'
Protein context (NP_004371.2, residues 2000-2020): LNVPRPNQVS[Gly2010Arg]PVMPSMPPGQ